The following is an entry in ClinVar:

ClinVar aggregate classification (germline): Uncertain significance (1 of 4 stars; one submission).

Submission:

Centre of Medical Genetics, University Hospital Muenster
Classification: Uncertain significance. Last evaluated: 2023-04-18. Review status: criteria provided, single submitter. Criteria: ACMG Guidelines, 2015. Collection method: clinical testing. Allele origin: unknown. Affected: yes. Observed: 1 variant allele, 1 heterozygote.
Comment: ACMG categories: PM2,BP1

NM_001242896.3(DEPDC5):c.652G>T (p.Val218Leu)

Gene: DEPDC5 (DEP domain containing 5, GATOR1 subcomplex subunit; plus strand). Cytogenetic location: 22q12.2.
Variant type: single nucleotide variant.
Coding change: c.652G>T on transcript NM_001242896.3 (MANE Select); coding-DNA position 652, G replaced by T.
Protein change: p.Val218Leu; replaces valine 218 with leucine.
Molecular consequence: missense variant. On other transcripts: non-coding transcript variant (5).
Genome position (GRCh38, 1-based): chr22:31,792,060, G>T. VCF-style: chr22-31792060-G-T. GRCh37 (hg19) VCF-style: chr22-32188046-G-T.
Other names: c.652G>T, p.Val218Leu (NM_001007188.4, NM_001136029.4, NM_001242897.2 and 7 more transcripts); c.568G>T, p.Val190Leu (NM_001369901.1, NM_001369902.1); short protein forms V190L, V218L.
Identifiers: ClinVar variation 2504139 (VCV002504139.2), dbSNP rs2518593775, ClinGen allele CA411288208.